The following is an entry in ClinVar:

ClinVar aggregate classification (germline): Uncertain significance (0 of 4 stars; one submission).

Conditions:
WDPCP-related disorder. Also called: WDPCP-related condition.

gnomAD v4.1: 2 of 1,613,342 alleles (0.00012%); highest among the groups gnomAD compares: Non-Finnish European, 0.00017%; no homozygotes.

Submission:

PreventionGenetics, part of Exact Sciences
Classification: Uncertain significance for WDPCP-related condition. Last evaluated: 2024-07-09. Review status: no assertion criteria provided. Collection method: clinical testing. Allele origin: germline.
Comment: The WDPCP c.1810A>G variant is predicted to result in the amino acid substitution p.Met604Val. To our knowledge, this variant has not been reported in the literature or in a large population database, indicating this variant is rare. At this time, the clinical significance of this variant is uncertain due to the absence of conclusive functional and genetic evidence.

NM_015910.7(WDPCP):c.1810A>G (p.Met604Val)

Gene: WDPCP (WD repeat containing planar cell polarity effector; minus strand). Cytogenetic location: 2p15.
Variant type: single nucleotide variant.
Coding change: c.1810A>G on transcript NM_015910.7 (MANE Select); coding-DNA position 1810, A replaced by G.
Protein change: p.Met604Val; replaces methionine 604 with valine.
Molecular consequence: missense variant. On other transcripts: non-coding transcript variant (3).
Genome position (GRCh38, 1-based): chr2:63,313,250, T>C on the plus strand (A>G on the coding strand, the complement: WDPCP is on the minus strand). VCF-style: chr2-63313250-T-C. GRCh37 (hg19) VCF-style: chr2-63540385-T-C.
Other names: c.1333A>G, p.Met445Val (NM_001042692.3); c.1738A>G, p.Met580Val (NM_001354044.2); short protein forms M445V, M580V, M604V.
Identifiers: ClinVar variation 3351990 (VCV003351990.1).
Genomic context (GRCh38, chr2:63,313,250, plus strand): 5'-AAGCTGACAACTTAGCCTTAGAACTGAAGGCACAAAATCATCTCTGAAAATGACTCACCA[T>C]AAAGAGGTCACGAGCACCAACGTCAACAGCTAGGAGAAATGCCTTTTCAAACCTCTGGTA-3'
Protein context (NP_056994.3, residues 594-614): AVDVGARDLF[Met604Val]DIHYLALDKG